The following is an entry in ClinVar:

NM_006593.4(TBR1):c.1925C>T (p.Pro642Leu)

Gene: TBR1 (T-box brain transcription factor 1; plus strand). Cytogenetic location: 2q24.2.
Variant type: single nucleotide variant.
Coding change: c.1925C>T on transcript NM_006593.4 (MANE Select); coding-DNA position 1925, C replaced by T.
Protein change: p.Pro642Leu; replaces proline 642 with leucine.
Molecular consequence: missense variant.
Genome position (GRCh38, 1-based): chr2:161,424,103, C>T. VCF-style: chr2-161424103-C-T. GRCh37 (hg19) VCF-style: chr2-162280614-C-T.
Other names: short protein forms P642L.
Identifiers: ClinVar variation 3364587 (VCV003364587.1).

ClinVar aggregate classification (germline): Uncertain significance (1 of 4 stars; one submission).

Submission:

GeneDx
Classification: Uncertain significance. Last evaluated: 2023-11-18. Review status: criteria provided, single submitter. Criteria: GeneDx Variant Classification Process June 2021. Collection method: clinical testing. Allele origin: germline. Affected: yes.
Comment: Not observed at significant frequency in large population cohorts (gnomAD); In silico analysis supports that this missense variant has a deleterious effect on protein structure/function; Has not been previously published as pathogenic or benign to our knowledge